The following is an entry in ClinVar:

ClinVar aggregate classification (germline): Uncertain significance (1 of 4 stars; one submission).

Submission:

GeneDx
Classification: Uncertain significance. Last evaluated: 2025-06-23. Review status: criteria provided, single submitter. Criteria: GeneDx Variant Classification Process June 2021. Collection method: clinical testing. Allele origin: germline. Affected: yes.
Comment: Not observed at significant frequency in large population cohorts (gnomAD); In silico analysis suggests that this missense variant does not alter protein structure/function; Has not been previously published as pathogenic or benign to our knowledge

NM_001042424.3(NSD2):c.1915T>C (p.Ser639Pro)

Gene: NSD2 (nuclear receptor binding SET domain protein 2; plus strand). Cytogenetic location: 4p16.3.
Variant type: single nucleotide variant.
Coding change: c.1915T>C on transcript NM_001042424.3 (MANE Select); coding-DNA position 1915, T replaced by C.
Protein change: p.Ser639Pro; replaces serine 639 with proline.
Molecular consequence: missense variant.
Genome position (GRCh38, 1-based): chr4:1,951,105, T>C. VCF-style: chr4-1951105-T-C. GRCh37 (hg19) VCF-style: chr4-1952832-T-C.
Other names: c.1915T>C, p.Ser639Pro (NM_001440892.1, NM_001440894.1, NM_001440895.1 and 4 more transcripts); c.2014T>C, p.Ser672Pro (NM_001440893.1); c.1708T>C, p.Ser570Pro (NM_001440897.1, NM_001440898.1); c.946T>C, p.Ser316Pro (NM_001440899.1, NM_001440900.1); short protein forms S316P, S570P, S639P, S672P.
Identifiers: ClinVar variation 4540126 (VCV004540126.1).